The following is an entry in ClinVar:

ClinVar aggregate classification (germline): Conflicting classifications of pathogenicity. Review status: criteria provided, conflicting classifications (1 of 4 stars). 3 submissions from 3 submitters: Likely pathogenic (1); Uncertain significance (2). Last evaluated 2026-01-27.

Conditions:
Long QT syndrome (LQTS). Identifiers: MedGen C0023976, MeSH D008133, MONDO:0002442. Disease mechanism: loss of function. Inheritance: Various modes of inheritance.
Cardiac arrhythmia. Also called: Cardiac rhythm disease; Arrhythmia. Identifiers: MedGen C0003811, MONDO:0007263, HP:0011675.
Long QT syndrome 2 (LQT2). Identifiers: Orphanet 101016, Orphanet 768, MedGen C3150943, MONDO:0013367, OMIM 613688.

Allele frequency attached by ClinVar (database versions not stated): TOPMed below 0.00001; gnomAD 0.00001; gnomAD exomes 0.00001; ExAC 0.00002.

Submissions (3):

Labcorp Genetics (formerly Invitae), Labcorp
Classification: Uncertain significance for Long QT syndrome. Last evaluated: 2026-01-27. Review status: criteria provided, single submitter. Criteria: Invitae Variant Classification Sherloc (09022015). Collection method: clinical testing. Allele origin: germline.
Comment: This sequence change replaces serine, which is neutral and polar, with leucine, which is neutral and non-polar, at codon 351 of the KCNH2 protein (p.Ser351Leu). The frequency data for this variant in the population databases is considered unreliable, as metrics indicate poor data quality at this position in the gnomAD database. This missense change has been observed in individuals with long QT syndrome (internal data). ClinVar contains an entry for this variant (Variation ID: 864050). An algorithm developed to predict the effect of missense changes on protein structure and function (PolyPhen-2) suggests that this variant is likely to be tolerated. In summary, the available evidence is currently insufficient to determine the role of this variant in disease. Therefore, it has been classified as a Variant of Uncertain Significance.

Color Diagnostics, LLC DBA Color Health
Classification: Uncertain significance for Cardiac arrhythmia. Last evaluated: 2023-01-23. Review status: criteria provided, single submitter. Criteria: ACMG Guidelines, 2015. Collection method: clinical testing. Allele origin: germline.
Comment: This missense variant replaces serine with leucine at codon 351 of the KCNH2 protein. Computational prediction is inconclusive regarding the impact of this variant on protein structure and function (internally defined REVEL score threshold 0.5 < inconclusive < 0.7, PMID: 27666373). To our knowledge, functional studies have not been reported for this variant. This variant has not been reported in individuals affected with KCNH2-related disorders in the literature. This variant has been identified in 4/280128 chromosomes in the general population by the Genome Aggregation Database (gnomAD). The available evidence is insufficient to determine the role of this variant in disease conclusively. Therefore, this variant is classified as a Variant of Uncertain Significance.

MVZ Martinsried, Medicover Genetics
Classification: Likely pathogenic for Long QT syndrome 2. Last evaluated: 2019-12-30. Review status: criteria provided, single submitter. Criteria: ACMG Guidelines, 2015. Collection method: clinical testing. Allele origin: unknown. Affected: yes.

NM_000238.4(KCNH2):c.1052C>T (p.Ser351Leu)

Gene: KCNH2 (potassium voltage-gated channel subfamily H member 2; minus strand). Cytogenetic location: 7q36.1.
Variant type: single nucleotide variant.
Coding change: c.1052C>T on transcript NM_000238.4 (MANE Select); coding-DNA position 1052, C replaced by T.
Protein change: p.Ser351Leu; replaces serine 351 with leucine.
Molecular consequence: missense variant.
Genome position (GRCh38, 1-based): chr7:150,957,367, G>A on the plus strand (C>T on the coding strand, the complement: KCNH2 is on the minus strand). VCF-style: chr7-150957367-G-A. GRCh37 (hg19) VCF-style: chr7-150654455-G-A.
Other names: c.764C>T, p.Ser255Leu (NM_001406753.1, NM_001406756.1); c.875C>T, p.Ser292Leu (NM_001406755.1); c.752C>T, p.Ser251Leu (NM_001406757.1); c.1052C>T, p.Ser351Leu (NM_172056.3); short protein forms S351L, S292L, S251L, S255L.
Identifiers: ClinVar variation 864050 (VCV000864050.11), dbSNP rs759134380, ClinGen allele CA026727.